The following is an entry in ClinVar:

NM_003630.3(PEX3):c.287+9A>G

Gene: PEX3 (peroxisomal biogenesis factor 3; plus strand). Cytogenetic location: 6q24.2.
Variant type: single nucleotide variant.
Coding change: c.287+9A>G on transcript NM_003630.3 (MANE Select); 9 bases into the intron after coding-DNA position 287, A replaced by G.
Molecular consequence: intron variant.
Genome position (GRCh38, 1-based): chr6:143,463,006, A>G. VCF-style: chr6-143463006-A-G. GRCh37 (hg19) VCF-style: chr6-143784143-A-G.
Identifiers: ClinVar variation 717023 (VCV000717023.10), dbSNP rs113430342, ClinGen allele CA4029518.

ClinVar aggregate classification (germline): Likely benign. Review status: criteria provided, multiple submitters, no conflicts (2 of 4 stars). 3 submissions from 3 submitters: Likely benign (2). 1 of the submissions does not count toward it. Last evaluated 2026-01-24.

Conditions:
PEX3-related disorder. Also called: PEX3-related condition.

Allele frequency attached by ClinVar (database versions not stated): gnomAD exomes 0.00001 and 0.00002; ExAC 0.00003; gnomAD 0.00004 and 0.00006; TOPMed 0.00007; ESP Exome Variant Server 0.00023.
gnomAD v4.1: 35 of 1,595,454 alleles (0.0022%); highest among the groups gnomAD compares: African/African-American, 0.02%; no homozygotes.

Submissions (3):

Labcorp Genetics (formerly Invitae), Labcorp
Classification: Likely benign. Last evaluated: 2026-01-24. Review status: criteria provided, single submitter. Criteria: Invitae Variant Classification Sherloc (09022015). Collection method: clinical testing. Allele origin: germline.

Blueprint Genetics
Classification: Likely benign. Last evaluated: 2022-03-01. Review status: criteria provided, single submitter. Criteria: ACMG Guidelines, 2015. Collection method: clinical testing. Allele origin: germline.

PreventionGenetics, part of Exact Sciences
Classification: Likely benign for PEX3-related condition. Last evaluated: 2024-08-01. Review status: no assertion criteria provided. Collection method: clinical testing. Allele origin: germline. Not counted in ClinVar's aggregate classification.
Comment: This variant is classified as likely benign based on ACMG/AMP sequence variant interpretation guidelines (Richards et al. 2015 PMID: 25741868, with internal and published modifications).